The following is an entry in ClinVar:

ClinVar aggregate classification (germline): Uncertain significance. Review status: criteria provided, multiple submitters, no conflicts (2 of 4 stars). 2 submissions from 2 submitters: Uncertain significance (2). Last evaluated 2023-08-25.

Conditions:
Hereditary cancer-predisposing syndrome. Also called: Neoplastic Syndromes, Hereditary; Hereditary neoplastic syndrome; Tumor predisposition; Hereditary Cancer Syndrome. Identifiers: Orphanet 140162, MedGen C0027672, MeSH D009386, MONDO:0015356.
Fanconi anemia complementation group J. Also called: BRIP1-Related Fanconi Anemia. Identifiers: Orphanet 84, MedGen C1836860, MONDO:0012187, OMIM 609054.
Familial cancer of breast. Also called: hereditary breast carcinoma; BREAST CANCER, FAMILIAL; Hereditary breast cancer. Identifiers: Orphanet 227535, MedGen C0346153, MONDO:0016419, OMIM 114480. Disease mechanism: loss of function.

Submissions (2):

Ambry Genetics
Classification: Uncertain significance for Hereditary cancer-predisposing syndrome. Last evaluated: 2023-08-25. Review status: criteria provided, single submitter. Criteria: Ambry Variant Classification Scheme 2023. Collection method: clinical testing. Allele origin: germline.
Comment: The c.3744delT variant, located in coding exon 19 of the BRIP1 gene, results from a deletion of one nucleotide at nucleotide position 3744, causing a translational frameshift with a predicted alternate stop codon (p.F1248Lfs*6). This alteration occurs at the 3' terminus of the BRIP1 gene, is not expected to trigger nonsense-mediated mRNAdecay and results in the elongation of the protein by three amino acids. This frameshift impacts the last twoamino acids of the native protein. The exact functional effect of the altered amino acids is unknown. Since supporting evidence is limited at this time, the clinical significance of this alteration remains unclear.

Labcorp Genetics (formerly Invitae), Labcorp
Classification: Uncertain significance for Familial cancer of breast; Fanconi anemia complementation group J. Last evaluated: 2023-04-04. Review status: criteria provided, single submitter. Criteria: Invitae Variant Classification Sherloc (09022015). Collection method: clinical testing. Allele origin: germline.
Comment: In summary, the available evidence is currently insufficient to determine the role of this variant in disease. Therefore, it has been classified as a Variant of Uncertain Significance. This sequence change results in a frameshift in the BRIP1 gene (p.Phe1248Leufs*6). While this is not anticipated to result in nonsense mediated decay, it is expected to disrupt the last 2 amino acid(s) of the BRIP1 protein and extend the protein by 3 additional amino acid residues. This variant is not present in population databases (gnomAD no frequency). This variant has not been reported in the literature in individuals affected with BRIP1-related conditions. ClinVar contains an entry for this variant (Variation ID: 841100).

NM_032043.3(BRIP1):c.3744del (p.Phe1248fs)

Gene: BRIP1 (BRCA1 interacting DNA helicase 1; minus strand). Cytogenetic location: 17q23.2.
Variant type: Deletion.
Coding change: c.3744del on transcript NM_032043.3 (MANE Select); coding-DNA position 3744, one base deleted (T; older notation c.3744delT).
Protein change: p.Phe1248fs; shifts the reading frame from phenylalanine 1248.
Molecular consequence: frameshift variant.
Genome position (GRCh38, 1-based): chr17:61,683,302, A deleted on the plus strand (T on the coding strand, the reverse complement: BRIP1 is on the minus strand); the first of 4 consecutive A bases (chr17:61,683,302-61,683,305); deleting any one gives the same sequence. VCF-style (leftmost placement, unchanged base first): chr17-61683301-TA-T. GRCh37 (hg19) VCF-style: chr17-59760662-TA-T.
Other names: c.3744delT (NM_032043.2); short protein forms F1248fs.
Identifiers: ClinVar variation 841100 (VCV000841100.11), dbSNP rs2061295225, ClinGen allele CA916081887.
Genomic context (GRCh38, chr17:61,683,301, plus strand): 5'-GAGTTTAACATAAGCATGATGACATATTTTTACTTAGCTTGAGAGTTAAGTATTATTACT[TA>T]AAACCAGGAAACATGCCTTTATTTTTGGAAGGAGATGGTTTAAAGTTCTTTATTTCTATT-3'